The following is an entry in ClinVar:

ClinVar aggregate classification (germline): Pathogenic (1 of 4 stars; one submission).

Conditions:
Autosomal recessive polycystic kidney disease (ARPKD). Also called: AR polycystic kidney disease. Identifiers: Orphanet 731, Orphanet 8378, MedGen C0085548, MeSH D017044, MONDO:0009889.

Submission:

Labcorp Genetics (formerly Invitae), Labcorp
Classification: Pathogenic for Autosomal recessive polycystic kidney disease. Last evaluated: 2022-04-13. Review status: criteria provided, single submitter. Criteria: Invitae Variant Classification Sherloc (09022015). Collection method: clinical testing. Allele origin: germline.
Comment: This variant has not been reported in the literature in individuals affected with PKHD1-related conditions. This variant is a gross deletion of the genomic region encompassing exon(s) 7-8 of the PKHD1 gene. This deletion is out-of-frame, and is expected to create a premature termination codon and result in an absent or disrupted protein product. Loss-of-function variants in PKHD1 are known to be pathogenic (PMID: 19940839). For these reasons, this variant has been classified as Pathogenic.

Literature cited by the submitters: PubMed 19940839.

NC_000006.11:g.(?_51936903)_(51938349_?)del

Gene: PKHD1 (PKHD1 ciliary IPT domain containing fibrocystin/polyductin; minus strand). Cytogenetic location: 6p12.2.
Variant type: Deletion.
Identifiers: ClinVar variation 2427254 (VCV002427254.5).